The following is an entry in ClinVar:

NM_001035.3(RYR2):c.12676C>T (p.Pro4226Ser)

Genes: RYR2 (ryanodine receptor 2; plus strand), LOC126806068 (BRD4-independent group 4 enhancer GRCh37_chr1:237947411-237948610; plus strand). Cytogenetic location: 1q43.
Variant type: single nucleotide variant.
Coding change: c.12676C>T on transcript NM_001035.3 (MANE Select); coding-DNA position 12676, C replaced by T.
Protein change: p.Pro4226Ser; replaces proline 4226 with serine.
Molecular consequence: missense variant.
Genome position (GRCh38, 1-based): chr1:237,784,388, C>T. VCF-style: chr1-237784388-C-T. GRCh37 (hg19) VCF-style: chr1-237947688-C-T.
Other names: short protein forms P4226S.
Identifiers: ClinVar variation 926154 (VCV000926154.3), dbSNP rs1293881648, ClinGen allele CA345413894.

ClinVar aggregate classification (germline): Uncertain significance (1 of 4 stars; one submission).

Conditions:
Cardiomyopathy (CMYO). Also called: Cardiomyopathies. Identifiers: Orphanet 167848, MedGen C0878544, MONDO:0004994, HP:0001638. Inheritance: Various modes of inheritance.

Submission:

Color Diagnostics, LLC DBA Color Health
Classification: Uncertain significance for Cardiomyopathy. Last evaluated: 2020-02-10. Review status: criteria provided, single submitter. Criteria: ACMG Guidelines, 2015. Collection method: clinical testing. Allele origin: germline.
Comment: This missense variant replaces proline with serine at codon 4226 of the RYR2 protein. Computational prediction suggests that this variant may not impact protein structure and function (internally defined REVEL score threshold <= 0.5, PMID: 27666373). Splice site prediction tools suggest that this variant may not impact RNA splicing. To our knowledge, functional studies have not been performed for this variant. This variant has not been reported in individuals affected with cardiovascular disorders in the literature. This variant has not been identified in the general population by the Genome Aggregation Database (gnomAD). The available evidence is insufficient to determine the role of this variant in disease conclusively. Therefore, this variant is classified as a Variant of Uncertain Significance.